The following is an entry in ClinVar:

NM_001606.5(ABCA2):c.3734C>T (p.Pro1245Leu)

Gene: ABCA2 (ATP binding cassette subfamily A member 2; minus strand). Cytogenetic location: 9q34.3.
Variant type: single nucleotide variant.
Coding change: c.3734C>T on transcript NM_001606.5 (MANE Select); coding-DNA position 3734, C replaced by T.
Protein change: p.Pro1245Leu; replaces proline 1245 with leucine.
Molecular consequence: missense variant.
Genome position (GRCh38, 1-based): chr9:137,015,061, G>A on the plus strand (C>T on the coding strand, the complement: ABCA2 is on the minus strand). VCF-style: chr9-137015061-G-A. GRCh37 (hg19) VCF-style: chr9-139909513-G-A.
Other names: c.3731C>T, p.Pro1244Leu (NM_001411042.1); c.3824C>T, p.Pro1275Leu (NM_212533.3); short protein forms P1244L, P1245L, P1275L.
Identifiers: ClinVar variation 3351263 (VCV003351263.2).

ClinVar aggregate classification (germline): Uncertain significance. Review status: criteria provided, single submitter (1 of 4 stars). 2 submissions from 2 submitters: Uncertain significance (1). 1 of the submissions does not count toward it. Last evaluated 2025-10-24.

Conditions:
ABCA2-related disorder. Also called: ABCA2-related condition.

Submissions (2):

Ambry Genetics
Classification: Uncertain significance. Last evaluated: 2025-10-24. Review status: criteria provided, single submitter. Criteria: Ambry Variant Classification Scheme 2023. Collection method: clinical testing. Allele origin: germline.

PreventionGenetics, part of Exact Sciences
Classification: Uncertain significance for ABCA2-related condition. Last evaluated: 2024-03-18. Review status: no assertion criteria provided. Collection method: clinical testing. Allele origin: germline. Not counted in ClinVar's aggregate classification.
Comment: The ABCA2 c.3824C>T variant is predicted to result in the amino acid substitution p.Pro1275Leu. To our knowledge, this variant has not been reported in the literature. This variant is reported in 0.0068% of alleles in individuals of South Asian descent in gnomAD. At this time, the clinical significance of this variant is uncertain due to the absence of conclusive functional and genetic evidence.